The following is an entry in ClinVar:

ClinVar aggregate classification (germline): Likely benign (1 of 4 stars; one submission).

Conditions:
UCP3-related disorder. Also called: UCP3-related condition.

Submission:

PreventionGenetics, part of Exact Sciences
Classification: Likely benign for UCP3-related condition. Last evaluated: 2025-03-30. Review status: criteria provided, single submitter. Criteria: ACMG Guidelines, 2015. Collection method: clinical testing. Allele origin: germline.
Comment: This variant is classified as likely benign based on ACMG/AMP sequence variant interpretation guidelines (Richards et al. 2015 PMID: 25741868, with internal and published modifications).

NM_003356.4(UCP3):c.*1A>G

Gene: UCP3 (uncoupling protein 3; minus strand). Cytogenetic location: 11q13.4.
Variant type: single nucleotide variant.
Coding change: c.*1A>G on transcript NM_003356.4 (MANE Select); 1 bases downstream of the stop codon, A replaced by G.
Molecular consequence: 3 prime UTR variant.
Genome position (GRCh38, 1-based): chr11:74,001,411, T>C on the plus strand (A>G on the coding strand, the complement: UCP3 is on the minus strand). VCF-style: chr11-74001411-T-C. GRCh37 (hg19) VCF-style: chr11-73712456-T-C.
Identifiers: ClinVar variation 4978322 (VCV004978322.1).